The following is an entry in ClinVar:

NM_001114753.3(ENG):c.1361T>G (p.Leu454Arg)

Genes: ENG (endoglin; minus strand), LOC102723566 (uncharacterized LOC102723566; plus strand). Cytogenetic location: 9q34.11.
Variant type: single nucleotide variant.
Coding change: c.1361T>G on transcript NM_001114753.3 (MANE Select); coding-DNA position 1361, T replaced by G.
Protein change: p.Leu454Arg; replaces leucine 454 with arginine.
Molecular consequence: missense variant.
Genome position (GRCh38, 1-based): chr9:127,818,783, A>C on the plus strand (T>G on the coding strand, the complement: ENG is on the minus strand). VCF-style: chr9-127818783-A-C. GRCh37 (hg19) VCF-style: chr9-130581062-A-C.
Other names: c.1361T>G, p.Leu454Arg (NM_000118.4); c.815T>G, p.Leu272Arg (NM_001278138.2); short protein forms L272R, L454R.
Identifiers: ClinVar variation 3378023 (VCV003378023.1).

ClinVar aggregate classification (germline): Uncertain significance (1 of 4 stars; one submission).

Submission:

GeneDx
Classification: Uncertain significance. Last evaluated: 2024-05-15. Review status: criteria provided, single submitter. Criteria: GeneDx Variant Classification Process June 2021. Collection method: clinical testing. Allele origin: germline. Affected: yes.
Comment: Identified in a patient with pulmonary arterial hypertension (PAH) in published literature (PMID: 31727138); Not observed at significant frequency in large population cohorts (gnomAD); In silico analysis supports that this missense variant has a deleterious effect on protein structure/function; This variant is associated with the following publications: (PMID: 31727138)